The following is an entry in ClinVar:

NM_003361.4(UMOD):c.164G>T (p.Gly55Val)

Gene: UMOD (uromodulin; minus strand). Cytogenetic location: 16p12.3.
Variant type: single nucleotide variant.
Coding change: c.164G>T on transcript NM_003361.4 (MANE Select); coding-DNA position 164, G replaced by T.
Protein change: p.Gly55Val; replaces glycine 55 with valine.
Molecular consequence: missense variant. On other transcripts: non-coding transcript variant (1).
Genome position (GRCh38, 1-based): chr16:20,349,137, C>A on the plus strand (G>T on the coding strand, the complement: UMOD is on the minus strand). VCF-style: chr16-20349137-C-A. GRCh37 (hg19) VCF-style: chr16-20360459-C-A.
Other names: c.164G>T, p.Gly55Val (NM_001008389.3, NM_001378232.1, NM_001378233.1 and 3 more transcripts); c.263G>T, p.Gly88Val (NM_001278614.2); short protein forms G55V, G88V.
Identifiers: ClinVar variation 5001567 (VCV005001567.1).

ClinVar aggregate classification (germline): Uncertain significance (1 of 4 stars; one submission).

Conditions:
UMOD-related disorder. Also called: UMOD-related condition.

Submission:

PreventionGenetics, part of Exact Sciences
Classification: Uncertain significance for UMOD-related condition. Last evaluated: 2024-12-20. Review status: criteria provided, single submitter. Criteria: ACMG Guidelines, 2015. Collection method: clinical testing. Allele origin: germline.
Comment: The UMOD c.164G>T variant is predicted to result in the amino acid substitution p.Gly55Val. To our knowledge, this variant has not been reported in the literature or in a large population database (gnomAD), indicating this variant is rare. The p.Gly55 residue is highly conserved. Of note, a different substitution at the same codon, defined as c.163G>A (p.Gly55Ser), has been reported to be pathogenic for autosomal dominant tubulointerstitial kidney disease (ADTKD) (Lopes et al. 2018. PubMed ID: 29513881; Table S1, Olinger et al. 2020. PubMed ID: 32450155). In addition, missense variants at the flanking codons such as codons 52, 58, and 59 have been widely reported in patients with ADTKD, indicating this region is critical for the protein function (see for example, Table S1, Olinger et al. 2020. PubMed ID: 32450155; Kudo et al. 2004. PubMed ID: 15086896; Table S1, Kidd et al. 2020. PubMed ID: 32954071; Table S2, Ayasreh et al. 2018. PubMed ID: 29784615). Although we suspect that the c.164G>T (p.Gly55Val) variant is pathogenic, at this time, the clinical significance of this variant is uncertain due to the absence of conclusive functional and genetic evidence.